The following is an entry in ClinVar:

ClinVar aggregate classification (germline): Conflicting classifications of pathogenicity. Review status: criteria provided, conflicting classifications (1 of 4 stars). 2 submissions from 2 submitters: Likely pathogenic (1); Uncertain significance (1). Last evaluated 2025-04-14.

Conditions:
Spondyloepimetaphyseal dysplasia with joint laxity, type 1, with or without fractures (SEMDJL1). Also called: SPONDYLOEPIMETAPHYSEAL DYSPLASIA WITH JOINT LAXITY, TYPE 1. Identifiers: Orphanet 642099, Orphanet 93359, MedGen C4017377, MONDO:0010075, OMIM 271640.
Ehlers-Danlos syndrome, spondylodysplastic type, 2 (EDSSPD2). Also called: Ehlers-Danlos syndrome, progeroid type, 2. Identifiers: Orphanet 536467, Orphanet 75496, MedGen C3809210, MONDO:0014139, OMIM 615349.
Spondyloepimetaphyseal dysplasia with joint laxity (SEMDJL). Identifiers: MedGen C0432243, MONDO:0019675.

Submissions (2):

Labcorp Genetics (formerly Invitae), Labcorp
Classification: Likely pathogenic for Ehlers-Danlos syndrome, spondylodysplastic type, 2; Spondyloepimetaphyseal dysplasia with joint laxity. Last evaluated: 2025-04-14. Review status: criteria provided, single submitter. Criteria: Invitae Variant Classification Sherloc (09022015). Collection method: clinical testing. Allele origin: germline.
Comment: This variant, c.539_541dup, results in the insertion of 1 amino acid(s) of the B3GALT6 protein (p.Arg180dup), but otherwise preserves the integrity of the reading frame. This variant is not present in population databases (gnomAD no frequency). This variant has been observed in individual(s) with clinical features of spondyloepimetaphyseal dysplasia (internal data). In at least one individual the data is consistent with being in trans (on the opposite chromosome) from a pathogenic variant. Experimental studies and prediction algorithms are not available or were not evaluated, and the functional significance of this variant is currently unknown. In summary, the currently available evidence indicates that the variant is pathogenic, but additional data are needed to prove that conclusively. Therefore, this variant has been classified as Likely Pathogenic.

Institute of Human Genetics, University of Leipzig Medical Center
Classification: Uncertain significance for Spondyloepimetaphyseal dysplasia with joint laxity, type 1, with or without fractures. Last evaluated: 2025-03-05. Review status: criteria provided, single submitter. Criteria: ACMG Guidelines, 2015. Collection method: clinical testing. Allele origin: unknown. Inheritance: Autosomal recessive inheritance. Affected: yes.
Comment: Criteria applied: PM2,PM3_SUP,PM4_SUP

NM_080605.4(B3GALT6):c.530GCC[5] (p.Arg180dup)

Gene: B3GALT6 (beta-1,3-galactosyltransferase 6; plus strand). Cytogenetic location: 1p36.33.
Variant type: Microsatellite.
Coding change: c.530GCC[5] on transcript NM_080605.4 (MANE Select); five copies in a row of the 3-base unit GCC starting at c.530; the reference has four copies in a row; one copy, 3 bases duplicated; also written c.539_541dup.
Protein change: p.Arg180dup; duplicates arginine 180.
Molecular consequence: inframe insertion.
Genome position (GRCh38, 1-based): chr1:1,232,817-1,232,819, GCC duplicated; duplicating any 3 consecutive bases within chr1:1,232,807-1,232,819 gives the same sequence; the position shown is the placement nearest the transcript's 3' end. VCF-style (leftmost placement, unchanged base first): chr1-1232806-G-GCGC. GRCh37 (hg19) VCF-style: chr1-1168186-G-GCGC.
Other names: c.539_541dup (NM_080605.4).
Identifiers: ClinVar variation 1472063 (VCV001472063.7), dbSNP rs1057034356, ClinGen allele CA16755394.
Genomic context (GRCh38, chr1:1,232,806, plus strand): 5'-CGACGACTCCTTCGCGCGGCTGGACGCGCTGCTGGCCGAGCTGCGCGCCCGCGAGCCCGC[G>GCGC]CGCCGCCGCCGCCTCTACTGGGGCTTCTTCTCGGGCCGCGGCCGCGTCAAGCCGGGGGGG-3'